The following is an entry in ClinVar:

NM_005629.4(SLC6A8):c.1072_1080del (p.Val358_Phe360del)

Gene: SLC6A8 (solute carrier family 6 member 8; plus strand). Cytogenetic location: Xq28.
Variant type: Deletion.
Coding change: c.1072_1080del on transcript NM_005629.4 (MANE Select); coding-DNA positions 1072 to 1080, 9 bases deleted (GTGGTCTTC; older notation c.1072_1080delGTGGTCTTC).
Protein change: p.Val358_Phe360del.
Molecular consequence: inframe deletion.
Genome position (GRCh38, 1-based): chrX:153,693,517-153,693,525, GTGGTCTTC deleted; deleting any 9 consecutive bases within chrX:153,693,513-153,693,525 gives the same sequence; the c. name uses the placement nearest the transcript's 3' end. VCF-style (leftmost placement, unchanged base first): chrX-153693512-GCTTCGTGGT-G. GRCh37 (hg19) VCF-style: chrX-152958967-GCTTCGTGGT-G.
Other names: c.1042_1050del, p.Val348_Phe350del (NM_001142805.2); c.727_735del, p.Val243_Phe245del (NM_001142806.1).
Identifiers: ClinVar variation 3382036 (VCV003382036.2).
Genomic context (GRCh38, chrX:153,693,512, plus strand): 5'-CACCCCTCAGGGACGCCATCATCCTGGCTCTCATCAACAGTGGGACCAGCTTCTTTGCTG[GCTTCGTGGT>G]CTTCTCCATCCTGGGCTTCATGGCTGCAGAGCAGGGCGTGCACATCTCCAAGGTGGCAGA-3'

ClinVar aggregate classification (germline): Uncertain significance (1 of 4 stars; one submission).

Conditions:
Creatine transporter deficiency (CCDS1). Also called: CEREBRAL CREATINE DEFICIENCY SYNDROME 1; Mental retardation , X-linked with seizures, short stature and midface hypoplasia; Mental retardation , X-linked, with creatine transport deficiency; X-linked creatine transporter deficiency; X-linked creatine deficiency syndrome; SLC6A8-Related Creatine Transporter Deficiency. Identifiers: Orphanet 52503, MedGen C1845862, MONDO:0010305, OMIM 300352.

Submission:

Juno Genomics, Hangzhou Juno Genomics, Inc
Classification: Uncertain significance for Creatine transporter deficiency. Review status: criteria provided, single submitter. Criteria: ACMG Guidelines, 2015. Collection method: clinical testing. Allele origin: germline. Affected: yes.
Comment: Absent from controls (or at extremely low frequency if recessive) in Genome Aggregation Database, Exome Sequencing Project, 1000 Genomes Project, or Exome Aggregation Consortium.;Protein length changes due to in-frame deletions/insertions in a non-repeat region or stop-loss variants.